The following is an entry in ClinVar:

NM_001368882.1(COL13A1):c.1728+5A>G

Gene: COL13A1 (collagen type XIII alpha 1 chain; plus strand). Cytogenetic location: 10q22.1.
Variant type: single nucleotide variant.
Coding change: c.1728+5A>G on transcript NM_001368882.1 (MANE Select); 5 bases into the intron after coding-DNA position 1728, A replaced by G.
Molecular consequence: intron variant.
Genome position (GRCh38, 1-based): chr10:69,932,609, A>G. VCF-style: chr10-69932609-A-G. GRCh37 (hg19) VCF-style: chr10-71692365-A-G.
Other names: c.1620+2057A>G (NM_001320951.2, NM_001368884.1); c.1695+5A>G (NM_001130103.2); c.1629+5A>G (NM_080801.4); c.1584+2057A>G (NM_080802.4, NM_001368885.1); c.1638+5A>G (NM_080800.4); c.1020+2057A>G (NM_001368886.1); c.1647+2057A>G (NM_001368883.1); c.1497+2057A>G (NM_080805.4); and 4 more.
Identifiers: ClinVar variation 1511770 (VCV001511770.6), dbSNP rs759658607, ClinGen allele CA5534885.

ClinVar aggregate classification (germline): Uncertain significance (1 of 4 stars; one submission).

Allele frequency attached by ClinVar (database versions not stated): TOPMed below 0.00001; ExAC 0.00001; gnomAD 0.00001; gnomAD exomes 0.00001.
gnomAD v4.1: 35 of 1,593,458 alleles (0.0022%); highest among the groups gnomAD compares: Non-Finnish European, 0.0028%; no homozygotes.

Submission:

Labcorp Genetics (formerly Invitae), Labcorp
Classification: Uncertain significance. Last evaluated: 2024-02-17. Review status: criteria provided, single submitter. Criteria: Invitae Variant Classification Sherloc (09022015). Collection method: clinical testing. Allele origin: germline.
Comment: This sequence change falls in intron 30 of the COL13A1 gene. It does not directly change the encoded amino acid sequence of the COL13A1 protein. It affects a nucleotide within the consensus splice site. This variant is present in population databases (rs759658607, gnomAD 0.004%). This variant has not been reported in the literature in individuals affected with COL13A1-related conditions. ClinVar contains an entry for this variant (Variation ID: 1511770). Variants that disrupt the consensus splice site are a relatively common cause of aberrant splicing (PMID: 17576681, 9536098). Algorithms developed to predict the effect of sequence changes on RNA splicing suggest that this variant is not likely to affect RNA splicing. In summary, the available evidence is currently insufficient to determine the role of this variant in disease. Therefore, it has been classified as a Variant of Uncertain Significance.

Literature cited by the submitters: PubMed 17576681; PubMed 9536098.